The following is an entry in ClinVar:

ClinVar aggregate classification (germline): Pathogenic/Likely pathogenic. Review status: criteria provided, multiple submitters, no conflicts (2 of 4 stars). 3 submissions from 3 submitters: Pathogenic (2); Likely pathogenic (1). Last evaluated 2025-02-05.

Conditions:
Inborn genetic diseases. Identifiers: MedGen C0950123, MeSH D030342.
Ocular cystinosis. Also called: Non-Nephropathic Cystinosis; Non-Nephropathic (Ocular) Cystinosis. Identifiers: Orphanet 213, Orphanet 411641, MedGen C2931013, MONDO:0009064, OMIM 219750.
Juvenile nephropathic cystinosis. Also called: Intermediate Cystinosis; CYSTINOSIS, LATE-ONSET JUVENILE OR ADOLESCENT NEPHROPATHIC TYPE; Later-Onset (Juvenile) Cystinosis. Identifiers: Orphanet 213, Orphanet 411634, MedGen C0268626, MONDO:0009066, OMIM 219900.
Nephropathic cystinosis (CTNS). Also called: CYSTINOSIN, DEFECT OF; LYSOSOMAL CYSTINE TRANSPORT PROTEIN, DEFECT OF; Abderhalden Lignac Kaufmann disease; Abderhalden-Kaufmann-Lignac syndrome. Identifiers: Orphanet 213, Orphanet 411629, MedGen C2931187, MONDO:0100151, OMIM 219800.
Cystinosis. Also called: Cystine diathesis; Cystine storage disease; Cystinoses. Identifiers: Orphanet 213, MedGen C4316899, MONDO:0016239.

Allele frequency attached by ClinVar (database versions not stated): TOPMed below 0.00001.

Submissions (3):

Natera, Inc.
Classification: Pathogenic for Cystinosis. Last evaluated: 2025-02-05. Review status: criteria provided, single submitter. Criteria: Natera Variant Classification Schema (03/2026). Collection method: clinical testing. Allele origin: germline.
Comment: The c.140+2T>C variant in CTNS is a canonical splice donor site variant predicted to affect pre-mRNA splicing, which may result in an abnormal transcript and altered protein product. This variant is expected to result in nonsense mediated decay, truncation, or a dysfunctional protein product. This variant is rare in the general population with a frequency below the threshold expected for the associated phenotype(s). Another variant at this same site results in an alteration predicted to cause a similar molecular effect has been observed in individual(s) with the associated phenotype. Given the available evidence, this variant is classified as Pathogenic.

Baylor Genetics
Classification: Likely pathogenic for Nephropathic cystinosis. Last evaluated: 2023-03-06. Review status: criteria provided, single submitter. Criteria: ACMG Guidelines, 2015. Collection method: clinical testing. Allele origin: unknown.

Labcorp Genetics (formerly Invitae), Labcorp
Classification: Pathogenic for Inborn genetic diseases; Ocular cystinosis; Juvenile nephropathic cystinosis. Last evaluated: 2019-07-30. Review status: criteria provided, single submitter. Criteria: Invitae Variant Classification Sherloc (09022015). Collection method: clinical testing. Allele origin: germline.
Comment: Donor and acceptor splice site variants typically lead to a loss of protein function (PMID: 16199547), and loss-of-function variants in CTNS are known to be pathogenic (PMID: 9537412, 27102039). Algorithms developed to predict the effect of sequence changes on RNA splicing suggest that this variant may disrupt the consensus splice site, but this prediction has not been confirmed by published transcriptional studies. For these reasons, this variant has been classified as Pathogenic. Disruption of this splice site has been observed in individual(s) with cystinosis (PMID: 9537412). In at least one individual the data is consistent with the variant being in trans (on the opposite chromosome) from a pathogenic variant. This variant is not present in population databases (ExAC no frequency). This sequence change affects a donor splice site in intron 4 of the CTNS gene. It is expected to disrupt RNA splicing and likely results in an absent or disrupted protein product.

Literature cited by the submitters: PubMed 16199547 (cited by Labcorp Genetics (formerly Invitae), Labcorp); PubMed 9537412 (cited by Labcorp Genetics (formerly Invitae), Labcorp); PubMed 27102039 (cited by Labcorp Genetics (formerly Invitae), Labcorp).

NM_004937.3(CTNS):c.140+2T>C

Gene: CTNS (cystinosin, lysosomal cystine transporter; plus strand). Cytogenetic location: 17p13.2.
Variant type: single nucleotide variant.
Coding change: c.140+2T>C on transcript NM_004937.3 (MANE Select); the canonical splice donor site of the intron after coding-DNA position 140, T replaced by C.
Molecular consequence: splice donor variant. On other transcripts: intron variant (1).
Genome position (GRCh38, 1-based): chr17:3,647,524, T>C. VCF-style: chr17-3647524-T-C. GRCh37 (hg19) VCF-style: chr17-3550818-T-C.
Other names: c.140+2T>C (NM_001031681.3, NM_001374492.1); c.-217+2T>C (NM_001374493.1, NM_001374496.1); c.-217+7257T>C (NM_001374495.1); c.-302+2T>C (NM_001374494.1).
Identifiers: ClinVar variation 959150 (VCV000959150.14), dbSNP rs2075872773, ClinGen allele CA397687220.